The following is an entry in ClinVar:

ClinVar aggregate classification (germline): Uncertain significance. Review status: criteria provided, multiple submitters, no conflicts (2 of 4 stars). 2 submissions from 2 submitters: Uncertain significance (2). Last evaluated 2025-09-17.

Conditions:
Episodic ataxia type 2 (EA2). Also called: ATAXIA, EPISODIC, WITH NYSTAGMUS; ATAXIA, FAMILIAL PAROXYSMAL; CEREBELLAR ATAXIA, PAROXYSMAL, ACETAZOLAMIDE-RESPONSIVE; CEREBELLOPATHY, HEREDITARY PAROXYSMAL; ACETAZOLAMIDE-RESPONSIVE HEREDITARY PAROXYSMAL CEREBELLAR ATAXIA; EPISODIC ATAXIA, NYSTAGMUS-ASSOCIATED. Identifiers: Orphanet 97, MedGen C1720416, MONDO:0007163, OMIM 108500.
Developmental and epileptic encephalopathy, 42 (DEE42A). Also called: DEVELOPMENTAL AND EPILEPTIC ENCEPHALOPATHY 42A; EPILEPTIC ENCEPHALOPATHY, EARLY INFANTILE, 42A; Epileptic encephalopathy, early infantile, 42. Identifiers: MedGen C4310716, MONDO:0014917, OMIM 617106.

Allele frequency attached by ClinVar (database versions not stated): gnomAD exomes below 0.00001.
gnomAD v4.1: 1 of 1,490,336 alleles (0.000067%); highest among the groups gnomAD compares: Non-Finnish European, 0.000089%; no homozygotes.

Submissions (2):

Labcorp Genetics (formerly Invitae), Labcorp
Classification: Uncertain significance for Developmental and epileptic encephalopathy, 42; Episodic ataxia type 2. Last evaluated: 2025-09-17. Review status: criteria provided, single submitter. Criteria: Invitae Variant Classification Sherloc (09022015). Collection method: clinical testing. Allele origin: germline.
Comment: This sequence change replaces lysine, which is basic and polar, with glutamic acid, which is acidic and polar, at codon 973 of the CACNA1A protein (p.Lys973Glu). This variant is not present in population databases (gnomAD no frequency). This variant has not been reported in the literature in individuals affected with CACNA1A-related conditions. ClinVar contains an entry for this variant (Variation ID: 1495445). Invitae Evidence Modeling of protein sequence and biophysical properties (such as structural, functional, and spatial information, amino acid conservation, physicochemical variation, residue mobility, and thermodynamic stability) indicates that this missense variant is not expected to disrupt CACNA1A protein function with a negative predictive value of 95%. In summary, the available evidence is currently insufficient to determine the role of this variant in disease. Therefore, it has been classified as a Variant of Uncertain Significance.

GeneDx
Classification: Uncertain significance. Last evaluated: 2023-10-16. Review status: criteria provided, single submitter. Criteria: GeneDx Variant Classification Process June 2021. Collection method: clinical testing. Allele origin: germline. Affected: yes.
Comment: Not observed at significant frequency in large population cohorts (gnomAD); In silico analysis supports that this missense variant does not alter protein structure/function; Has not been previously published as pathogenic or benign to our knowledge

NM_001127222.2(CACNA1A):c.2914A>G (p.Lys972Glu)

Gene: CACNA1A (calcium voltage-gated channel subunit alpha1 A; minus strand). Cytogenetic location: 19p13.13.
Variant type: single nucleotide variant.
Coding change: c.2914A>G on transcript NM_001127222.2 (MANE Select); coding-DNA position 2914, A replaced by G.
Protein change: p.Lys972Glu; replaces lysine 972 with glutamic acid.
Molecular consequence: missense variant.
Genome position (GRCh38, 1-based): chr19:13,298,719, T>C on the plus strand (A>G on the coding strand, the complement: CACNA1A is on the minus strand). VCF-style: chr19-13298719-T-C. GRCh37 (hg19) VCF-style: chr19-13409533-T-C.
Other names: c.2926A>G, p.Lys976Glu (NM_000068.4, NM_023035.3); c.2917A>G, p.Lys973Glu (NM_001127221.2, NM_001174080.2); c.2917A>G (NM_001127221.1); short protein forms K973E, K976E, K972E.
Identifiers: ClinVar variation 1495445 (VCV001495445.9), dbSNP rs2144953504, ClinGen allele CA404342458.